The following is an entry in ClinVar:

NM_033064.5(ATCAY):c.*1180C>T

Gene: ATCAY (ATCAY kinesin light chain interacting caytaxin; plus strand). Cytogenetic location: 19p13.3.
Variant type: single nucleotide variant.
Coding change: c.*1180C>T on transcript NM_033064.5 (MANE Select); 1180 bases downstream of the stop codon, C replaced by T.
Molecular consequence: 3 prime UTR variant.
Genome position (GRCh38, 1-based): chr19:3,925,772, C>T. VCF-style: chr19-3925772-C-T. GRCh37 (hg19) VCF-style: chr19-3925770-C-T.
Identifiers: ClinVar variation 329175 (VCV000329175.5), dbSNP rs140608538, ClinGen allele CA10648701.
Genomic context (GRCh38, chr19:3,925,772, plus strand): 5'-TTAAGAAAAGGCTGGGCCAGGCACGATGGCTCACGCCTGTAATCCCAGACTTTGGGAGGC[C>T]GAGGCAGGCGGATCACCTGAGGTGAGGAGTTTGAGAACAGCCTGGCCAACATGGTGAAAC-3'

ClinVar aggregate classification (germline): Benign (1 of 4 stars; one submission).

Conditions:
Cayman type cerebellar ataxia. Also called: Cayman ataxia. Identifiers: Orphanet 94122, MedGen C1832585, MONDO:0011025, OMIM 601238.

Allele frequency attached by ClinVar (database versions not stated): gnomAD 0.00683 and 0.00643; TOPMed 0.00712; 1000 Genomes Project 30x 0.00750; 1000 Genomes Project 0.00819.

Submission:

Illumina Laboratory Services, Illumina
Classification: Benign for Cayman type cerebellar ataxia. Last evaluated: 2018-01-13. Review status: criteria provided, single submitter. Criteria: ICSL Variant Classification Criteria 13 December 2019. Collection method: clinical testing. Allele origin: germline.
Comment: This variant was observed in the ICSL laboratory as part of a predisposition screen in an ostensibly healthy population. It had not been previously curated by ICSL or reported in the Human Gene Mutation Database (HGMD: prior to June 1st, 2018), and was therefore a candidate for classification through an automated scoring system. Utilizing variant allele frequency, disease prevalence and penetrance estimates, and inheritance mode, an automated score was calculated to assess if this variant is too frequent to cause the disease. Based on the score and internal cut-off values, a variant classified as benign is not then subjected to further curation. The score for this variant resulted in a classification of benign for this disease.